The following is an entry in ClinVar:

NM_000384.3(APOB):c.12760C>T (p.Pro4254Ser)

Gene: APOB (apolipoprotein B; minus strand). Cytogenetic location: 2p24.1.
Variant type: single nucleotide variant.
Coding change: c.12760C>T on transcript NM_000384.3 (MANE Select); coding-DNA position 12760, C replaced by T.
Protein change: p.Pro4254Ser; replaces proline 4254 with serine.
Molecular consequence: missense variant.
Genome position (GRCh38, 1-based): chr2:21,002,662, G>A on the plus strand (C>T on the coding strand, the complement: APOB is on the minus strand). VCF-style: chr2-21002662-G-A. GRCh37 (hg19) VCF-style: chr2-21225534-G-A.
Other names: short protein forms P4254S.
Identifiers: ClinVar variation 5027804 (VCV005027804.1).

ClinVar aggregate classification (germline): Uncertain significance (1 of 4 stars; one submission).

Conditions:
Cardiovascular phenotype. Identifiers: MedGen CN230736.

gnomAD v4.1: 1 of 1,613,788 alleles (0.000062%); highest among the groups gnomAD compares: Non-Finnish European, 0.000085%; no homozygotes.

Submission:

Ambry Genetics
Classification: Uncertain significance for Cardiovascular phenotype. Last evaluated: 2026-07-31. Review status: criteria provided, single submitter. Criteria: Ambry Variant Classification Scheme 2023. Collection method: clinical testing. Allele origin: germline.
Comment: The p.P4254S variant (also known as c.12760C>T), located in coding exon 29 of the APOB gene, results from a C to T substitution at nucleotide position 12760. The proline at codon 4254 is replaced by serine, an amino acid with similar properties. This amino acid position is conserved. In addition, this alteration is predicted to be tolerated by in silico analysis. Based on the available evidence, the clinical significance of this variant remains unclear.